The following is an entry in ClinVar:

NM_178012.5(TUBB2B):c.1094C>T (p.Ala365Val)

Gene: TUBB2B (tubulin beta 2B class IIb; minus strand). Cytogenetic location: 6p25.2.
Variant type: single nucleotide variant.
Coding change: c.1094C>T on transcript NM_178012.5 (MANE Select); coding-DNA position 1094, C replaced by T.
Protein change: p.Ala365Val; replaces alanine 365 with valine.
Molecular consequence: missense variant.
Genome position (GRCh38, 1-based): chr6:3,224,995, G>A on the plus strand (C>T on the coding strand, the complement: TUBB2B is on the minus strand). VCF-style: chr6-3224995-G-A. GRCh37 (hg19) VCF-style: chr6-3225229-G-A.
Other names: short protein forms A365V.
Identifiers: ClinVar variation 4994941 (VCV004994941.1).
Genomic context (GRCh38, chr6:3,224,995, plus strand): 5'-AACTGCTCGGAGATGCGCTTGAACAGCTCCTGGATGGCCGTGCTGTTGCCGATGAAGGTG[G>A]CCGACATCTTCAGGCCGCGGGGCGGGATGTCGCACACGGCCGTCTTCACGTTGTTGGGGA-3'
Protein context (NP_821080.1, residues 355-375): DIPPRGLKMS[Ala365Val]TFIGNSTAIQ

ClinVar aggregate classification (germline): Uncertain significance (1 of 4 stars; one submission).

Conditions:
TUBB2B-related disorder. Also called: TUBB2B-related condition.

Submission:

PreventionGenetics, part of Exact Sciences
Classification: Uncertain significance for TUBB2B-related condition. Last evaluated: 2026-04-22. Review status: criteria provided, single submitter. Criteria: ACMG Guidelines, 2015. Collection method: clinical testing. Allele origin: germline.
Comment: The TUBB2B c.1094C>T variant is predicted to result in the amino acid substitution p.Ala365Val. To our knowledge, this variant has not been reported in the literature or in a large population database (gnomAD), indicating this variant is rare. At this time, the clinical significance of this variant is uncertain due to the absence of conclusive functional and genetic evidence.